The following is an entry in ClinVar:

NM_000481.4(AMT):c.116A>G (p.Tyr39Cys)

Gene: AMT (aminomethyltransferase; minus strand). Cytogenetic location: 3p21.31.
Variant type: single nucleotide variant.
Coding change: c.116A>G on transcript NM_000481.4 (MANE Select); coding-DNA position 116, A replaced by G.
Protein change: p.Tyr39Cys; replaces tyrosine 39 with cysteine.
Molecular consequence: missense variant. On other transcripts: non-coding transcript variant (1), intron variant (1).
Genome position (GRCh38, 1-based): chr3:49,422,246, T>C on the plus strand (A>G on the coding strand, the complement: AMT is on the minus strand). VCF-style: chr3-49422246-T-C. GRCh37 (hg19) VCF-style: chr3-49459679-T-C.
Other names: c.116A>G, p.Tyr39Cys (NM_001164710.2, NM_001164712.2); c.90+115A>G (NM_001164711.2); short protein forms Y39C.
Identifiers: ClinVar variation 2143270 (VCV002143270.2), dbSNP rs764522949, ClinGen allele CA2398470.

ClinVar aggregate classification (germline): Uncertain significance. Review status: criteria provided, multiple submitters, no conflicts (2 of 4 stars). 2 submissions from 2 submitters: Uncertain significance (2). Last evaluated 2021-09-28.

Conditions:
Glycine encephalopathy. Also called: Non-ketotic hyperglycinemia; Nonketotic hyperglycinemia. Identifiers: Orphanet 407, MedGen C0751748, MONDO:0011612, HP:0008288.

Allele frequency attached by ClinVar (database versions not stated): ExAC 0.00001; gnomAD exomes 0.00001; TOPMed 0.00001.

Submissions (2):

Blueprint Genetics
Classification: Uncertain significance. Last evaluated: 2021-09-28. Review status: criteria provided, single submitter. Criteria: ACMG Guidelines, 2015. Collection method: clinical testing. Allele origin: germline.

Labcorp Genetics (formerly Invitae), Labcorp
Classification: Uncertain significance for Glycine encephalopathy. Last evaluated: 2021-09-02. Review status: criteria provided, single submitter. Criteria: Invitae Variant Classification Sherloc (09022015). Collection method: clinical testing. Allele origin: germline.
Comment: This sequence change replaces tyrosine with cysteine at codon 39 of the AMT protein (p.Tyr39Cys). The tyrosine residue is moderately conserved and there is a large physicochemical difference between tyrosine and cysteine. This variant is present in population databases (rs764522949, ExAC 0.002%). This variant has not been reported in the literature in individuals affected with AMT-related conditions. Advanced modeling of protein sequence and biophysical properties (such as structural, functional, and spatial information, amino acid conservation, physicochemical variation, residue mobility, and thermodynamic stability) performed at Invitae indicates that this missense variant is not expected to disrupt AMT protein function. In summary, the available evidence is currently insufficient to determine the role of this variant in disease. Therefore, it has been classified as a Variant of Uncertain Significance.